The following is an entry in ClinVar:

ClinVar aggregate classification (germline): Conflicting classifications of pathogenicity. Review status: criteria provided, conflicting classifications (1 of 4 stars). 4 submissions from 4 submitters: Uncertain significance (3); Likely benign (1). Last evaluated 2026-01-29.

Conditions:
Inborn genetic diseases. Identifiers: MedGen C0950123, MeSH D030342.

Allele frequency attached by ClinVar (database versions not stated): gnomAD exomes 0.00001; TOPMed 0.00004; gnomAD 0.00006.
gnomAD v4.1: 21 of 1,611,016 alleles (0.0013%); highest among the groups gnomAD compares: African/African-American, 0.0027%; no homozygotes.

Submissions (4):

GeneDx
Classification: Uncertain significance. Last evaluated: 2026-01-29. Review status: criteria provided, single submitter. Criteria: GeneDx Variant Classification Process June 2021. Collection method: clinical testing. Allele origin: germline.
Comment: In silico analysis suggests that this missense variant does not alter protein structure/function; Has not been previously published as pathogenic or benign to our knowledge

Ambry Genetics
Classification: Likely benign for Inborn genetic diseases. Last evaluated: 2022-11-30. Review status: criteria provided, single submitter. Criteria: Ambry Variant Classification Scheme 2023. Collection method: clinical testing. Allele origin: germline.

Labcorp Genetics (formerly Invitae), Labcorp
Classification: Uncertain significance. Last evaluated: 2022-05-16. Review status: criteria provided, single submitter. Criteria: Invitae Variant Classification Sherloc (09022015). Collection method: clinical testing. Allele origin: germline.
Comment: In summary, the available evidence is currently insufficient to determine the role of this variant in disease. Therefore, it has been classified as a Variant of Uncertain Significance. Algorithms developed to predict the effect of missense changes on protein structure and function output the following: SIFT: "Tolerated"; PolyPhen-2: "Benign"; Align-GVGD: "Class C0". The threonine amino acid residue is found in multiple mammalian species, which suggests that this missense change does not adversely affect protein function. ClinVar contains an entry for this variant (Variation ID: 291013). This variant has not been reported in the literature in individuals affected with RAB3GAP1-related conditions. This variant is present in population databases (no rsID available, gnomAD 0.003%). This sequence change replaces alanine, which is neutral and non-polar, with threonine, which is neutral and polar, at codon 538 of the RAB3GAP1 protein (p.Ala538Thr).

Eurofins Ntd Llc (ga)
Classification: Uncertain significance. Last evaluated: 2016-08-29. Review status: criteria provided, single submitter. Criteria: EGL Classification Definitions 2015. Collection method: clinical testing. Allele origin: germline. Observed: 1 variant allele, 1 heterozygote.

NM_012233.3(RAB3GAP1):c.1612G>A (p.Ala538Thr)

Gene: RAB3GAP1 (RAB3 GTPase activating protein catalytic subunit 1; plus strand). Cytogenetic location: 2q21.3.
Variant type: single nucleotide variant.
Coding change: c.1612G>A on transcript NM_012233.3 (MANE Select); coding-DNA position 1612, G replaced by A.
Protein change: p.Ala538Thr; replaces alanine 538 with threonine.
Molecular consequence: missense variant.
Genome position (GRCh38, 1-based): chr2:135,135,621, G>A. VCF-style: chr2-135135621-G-A. GRCh37 (hg19) VCF-style: chr2-135893191-G-A.
Other names: c.1612G>A, p.Ala538Thr (NM_001172435.2); c.1612G>A (NM_012233.2); short protein forms A538T.
Identifiers: ClinVar variation 291013 (VCV000291013.11), dbSNP rs886044622, ClinGen allele CA10606987.